The following is an entry in ClinVar:

ClinVar aggregate classification (germline): Benign (0 of 4 stars; one submission).

Conditions:
PTK7-related disorder. Also called: PTK7-related condition.

Allele frequency attached by ClinVar (database versions not stated): gnomAD 0.05042; TOPMed 0.05318; 1000 Genomes Project 0.05491; 1000 Genomes Project 30x 0.05715; ExAC 0.05986.
gnomAD v4.1: 59,644 of 1,498,348 alleles (4%); highest among the groups gnomAD compares: African/African-American, 8.2%; 1,380 homozygotes.

Submission:

PreventionGenetics, part of Exact Sciences
Classification: Benign for PTK7-related condition. Last evaluated: 2020-01-03. Review status: no assertion criteria provided. Collection method: clinical testing. Allele origin: germline.
Comment: This variant is classified as benign based on ACMG/AMP sequence variant interpretation guidelines (Richards et al. 2015 PMID: 25741868, with internal and published modifications).

NM_002821.5(PTK7):c.79+315A>G

Gene: PTK7 (protein tyrosine kinase 7 (inactive); plus strand). Cytogenetic location: 6p21.1.
Variant type: single nucleotide variant.
Coding change: c.79+315A>G on transcript NM_002821.5 (MANE Select); 315 bases into the intron after coding-DNA position 79, A replaced by G.
Molecular consequence: intron variant. On other transcripts: 5 prime UTR variant (1).
Genome position (GRCh38, 1-based): chr6:43,076,882, A>G. VCF-style: chr6-43076882-A-G. GRCh37 (hg19) VCF-style: chr6-43044620-A-G.
Other names: c.-2A>G (NM_001270398.2); c.79+315A>G (NM_152882.4, NM_152880.4, NM_152881.4).
Identifiers: ClinVar variation 3060223 (VCV003060223.2), dbSNP rs73436429, ClinGen allele CA3815618.